The following is an entry in ClinVar:

NM_000301.5(PLG):c.660T>C (p.Ile220=)

Gene: PLG (plasminogen; plus strand). Cytogenetic location: 6q26.
Variant type: single nucleotide variant.
Coding change: c.660T>C on transcript NM_000301.5 (MANE Select); coding-DNA position 660, T replaced by C.
Protein change: p.Ile220=; no amino-acid change (isoleucine 220 retained).
Molecular consequence: synonymous variant.
Genome position (GRCh38, 1-based): chr6:160,714,906, T>C. VCF-style: chr6-160714906-T-C. GRCh37 (hg19) VCF-style: chr6-161135938-T-C.
Other names: p.Ile220=.
Identifiers: ClinVar variation 2076341 (VCV002076341.6), dbSNP rs760165235, ClinGen allele CA4087515.
Genomic context (GRCh38, chr6:160,714,906, plus strand): 5'-CATGTCTGGACTGGAATGCCAGGCCTGGGACTCTCAGAGCCCACACGCTCATGGATACAT[T>C]CCTTCCAAGTAAGTCTCACTGGGAAAAACATTCCATGTTTAATTAAGGCTCTGCAGCTCT-3'
Protein context (NP_000292.1, residues 210-230): DSQSPHAHGY[Ile220=]PSKFPNKNLK

ClinVar aggregate classification (germline): Likely benign. Review status: criteria provided, multiple submitters, no conflicts (2 of 4 stars). 3 submissions from 3 submitters: Likely benign (3). Last evaluated 2025-04-30.

Allele frequency attached by ClinVar (database versions not stated): gnomAD 0.00003; ExAC 0.00004; TOPMed 0.00004; gnomAD exomes 0.00007.
gnomAD v4.1: 99 of 1,613,724 alleles (0.0061%); highest among the groups gnomAD compares: Non-Finnish European, 0.0081%; no homozygotes.

Submissions (3):

Labcorp Genetics (formerly Invitae), Labcorp
Classification: Likely benign. Last evaluated: 2025-04-30. Review status: criteria provided, single submitter. Criteria: Invitae Variant Classification Sherloc (09022015). Collection method: clinical testing. Allele origin: germline.

Mayo Clinic Laboratories, Mayo Clinic
Classification: Likely benign. Last evaluated: 2025-01-09. Review status: criteria provided, single submitter. Criteria: ACMG Guidelines, 2015. Collection method: clinical testing. Allele origin: germline. Observed: 1 variant allele.
Comment: BP4, BP7, PM2_supporting

Women's Health and Genetics/Laboratory Corporation of America, LabCorp
Classification: Likely benign. Last evaluated: 2024-05-08. Review status: criteria provided, single submitter. Criteria: LabCorp Variant Classification Summary - May 2015. Collection method: clinical testing. Allele origin: germline.